The following is an entry in ClinVar:

NM_000334.4(SCN4A):c.4610G>C (p.Gly1537Ala)

Genes: GH-LCR (growth hormone locus control region; plus strand), SCN4A (sodium voltage-gated channel alpha subunit 4; minus strand). Cytogenetic location: 17q23.3.
Variant type: single nucleotide variant.
Coding change: c.4610G>C on transcript NM_000334.4 (MANE Select); coding-DNA position 4610, G replaced by C.
Protein change: p.Gly1537Ala; replaces glycine 1537 with alanine.
Molecular consequence: missense variant.
Genome position (GRCh38, 1-based): chr17:63,941,672, C>G on the plus strand (G>C on the coding strand, the complement: SCN4A is on the minus strand). VCF-style: chr17-63941672-C-G. GRCh37 (hg19) VCF-style: chr17-62019032-C-G.
Other names: short protein forms G1537A.
Identifiers: ClinVar variation 2109644 (VCV002109644.4), dbSNP rs2509284699, ClinGen allele CA400615643.

ClinVar aggregate classification (germline): Uncertain significance (1 of 4 stars; one submission).

Conditions:
Hyperkalemic periodic paralysis. Also called: Familial hyperkalemic periodic paralysis; Gamstorp disease. Identifiers: Orphanet 682, MedGen C0238357, MONDO:0008224, OMIM 170500, HP:0007215.

Submission:

Labcorp Genetics (formerly Invitae), Labcorp
Classification: Uncertain significance for Hyperkalemic periodic paralysis. Last evaluated: 2023-04-24. Review status: criteria provided, single submitter. Criteria: Invitae Variant Classification Sherloc (09022015). Collection method: clinical testing. Allele origin: germline.
Comment: In summary, the available evidence is currently insufficient to determine the role of this variant in disease. Therefore, it has been classified as a Variant of Uncertain Significance. Advanced modeling of protein sequence and biophysical properties (such as structural, functional, and spatial information, amino acid conservation, physicochemical variation, residue mobility, and thermodynamic stability) performed at Invitae indicates that this missense variant is expected to disrupt SCN4A protein function. ClinVar contains an entry for this variant (Variation ID: 2109644). This variant has not been reported in the literature in individuals affected with SCN4A-related conditions. This variant is not present in population databases (gnomAD no frequency). This sequence change replaces glycine, which is neutral and non-polar, with alanine, which is neutral and non-polar, at codon 1537 of the SCN4A protein (p.Gly1537Ala).